The following is an entry in ClinVar:

NM_001848.3(COL6A1):c.2109G>A (p.Thr703=)

Gene: COL6A1 (collagen type VI alpha 1 chain; plus strand). Cytogenetic location: 21q22.3.
Variant type: single nucleotide variant.
Coding change: c.2109G>A on transcript NM_001848.3 (MANE Select); coding-DNA position 2109, G replaced by A.
Protein change: p.Thr703=; no amino-acid change (threonine 703 retained).
Molecular consequence: synonymous variant.
Genome position (GRCh38, 1-based): chr21:46,002,260, G>A. VCF-style: chr21-46002260-G-A. GRCh37 (hg19) VCF-style: chr21-47422174-G-A.
Identifiers: ClinVar variation 288125 (VCV000288125.17), dbSNP rs760649238, ClinGen allele CA10070772.

ClinVar aggregate classification (germline): Conflicting classifications of pathogenicity. Review status: criteria provided, conflicting classifications (1 of 4 stars). 3 submissions from 3 submitters: Uncertain significance (1); Benign (1); Likely benign (1). Last evaluated 2025-09-30.

Conditions:
Bethlem myopathy 1A. Also called: Bethlem Muscular Dystrophy; MYOPATHY, BENIGN CONGENITAL, WITH CONTRACTURES; Bethlem myopathy 1. Identifiers: Orphanet 610, MedGen CN029274, MONDO:0024530, OMIM 158810.

Allele frequency attached by ClinVar (database versions not stated): ExAC 0.00002; TOPMed 0.00002; gnomAD exomes 0.00004.
gnomAD v4.1: 24 of 1,602,036 alleles (0.0015%); highest among the groups gnomAD compares: Middle Eastern, 0.034%; no homozygotes.

Submissions (3):

Labcorp Genetics (formerly Invitae), Labcorp
Classification: Benign for Bethlem myopathy 1A. Last evaluated: 2025-09-30. Review status: criteria provided, single submitter. Criteria: Invitae Variant Classification Sherloc (09022015). Collection method: clinical testing. Allele origin: germline.

GeneDx
Classification: Likely benign. Last evaluated: 2016-07-13. Review status: criteria provided, single submitter. Criteria: GeneDx Variant Classification (06012015). Collection method: clinical testing. Allele origin: germline. Affected: yes.
Comment: This variant is considered likely benign or benign based on one or more of the following criteria: it is a conservative change, it occurs at a poorly conserved position in the protein, it is predicted to be benign by multiple in silico algorithms, and/or has population frequency not consistent with disease.

Eurofins Ntd Llc (ga)
Classification: Uncertain significance. Last evaluated: 2016-05-18. Review status: criteria provided, single submitter. Criteria: EGL Classification Definitions 2015. Collection method: clinical testing. Allele origin: germline. Observed: 2 variant alleles, 2 heterozygotes.